The following is an entry in ClinVar:

NM_001918.5(DBT):c.1282-10del

Gene: DBT (dihydrolipoamide branched chain transacylase E2; minus strand). Cytogenetic location: 1p21.2.
Variant type: Deletion.
Coding change: c.1282-10del on transcript NM_001918.5 (MANE Select); 10 bases into the intron before coding-DNA position 1282, one base deleted (T; older notation c.1282-10delT).
Molecular consequence: intron variant.
Genome position (GRCh38, 1-based): chr1:100,196,432, A deleted on the plus strand (T on the coding strand, the reverse complement: DBT is on the minus strand); the first of 28 consecutive A bases (chr1:100,196,432-100,196,459); deleting any one gives the same sequence. VCF-style (leftmost placement, unchanged base first): chr1-100196431-GA-G. GRCh37 (hg19) VCF-style: chr1-100661987-GA-G.
Other names: c.739-10del (NM_001399972.1, NM_001399969.1).
Identifiers: ClinVar variation 3356721 (VCV003356721.1).

ClinVar aggregate classification (germline): Likely benign (0 of 4 stars; one submission).

Conditions:
DBT-related disorder. Also called: DBT-related condition.

Submission:

PreventionGenetics, part of Exact Sciences
Classification: Likely benign for DBT-related condition. Last evaluated: 2024-05-19. Review status: no assertion criteria provided. Collection method: clinical testing. Allele origin: germline.
Comment: This variant is classified as likely benign based on ACMG/AMP sequence variant interpretation guidelines (Richards et al. 2015 PMID: 25741868, with internal and published modifications).